The following is an entry in ClinVar:

NM_004168.4(SDHA):c.1727T>C (p.Leu576Pro)

Gene: SDHA (succinate dehydrogenase complex flavoprotein subunit A; plus strand). Cytogenetic location: 5p15.33.
Variant type: single nucleotide variant.
Coding change: c.1727T>C on transcript NM_004168.4 (MANE Select); coding-DNA position 1727, T replaced by C.
Protein change: p.Leu576Pro; replaces leucine 576 with proline.
Molecular consequence: missense variant. On other transcripts: intron variant (1).
Genome position (GRCh38, 1-based): chr5:251,401, T>C. VCF-style: chr5-251401-T-C. GRCh37 (hg19) VCF-style: chr5-251516-T-C.
Other names: c.1583T>C, p.Leu528Pro (NM_001294332.2); c.1552-2992T>C (NM_001330758.2); short protein forms L576P, L528P.
Identifiers: ClinVar variation 577878 (VCV000577878.19), dbSNP rs1318046349, ClinGen allele CA359000142.

ClinVar aggregate classification (germline): Uncertain significance. Review status: criteria provided, multiple submitters, no conflicts (2 of 4 stars). 6 submissions from 4 submitters: Uncertain significance (6). Last evaluated 2025-10-27.

Conditions:
Mitochondrial complex II deficiency, nuclear type 1. Also called: SUCCINATE CoQ REDUCTASE DEFICIENCY. Identifiers: Orphanet 3208, MedGen C5700310, MONDO:0100294, OMIM 252011.
Pheochromocytoma/paraganglioma syndrome 5. Also called: Paragangliomas 5; SDHA-Related Hereditary Paraganglioma-Pheochromocytoma Syndrome. Identifiers: Orphanet 29072, MedGen C3279992, MONDO:0013602, OMIM 614165.
Leigh syndrome (NULS). Also called: LEIGH SYNDROME, NUCLEAR; Leigh's syndrome; Leigh's necrotizing encephalopathy; Leigh's disease; Leigh Syndrome (mtDNA deletion); Leigh Disease. Identifiers: Orphanet 506, MedGen C2931891, MONDO:0009723, OMIM 256000.
Hereditary cancer-predisposing syndrome. Also called: Neoplastic Syndromes, Hereditary; Tumor predisposition; Hereditary neoplastic syndrome; Hereditary Cancer Syndrome. Identifiers: Orphanet 140162, MedGen C0027672, MeSH D009386, MONDO:0015356.
Hereditary pheochromocytoma and paraganglioma. Also called: Hereditary Paraganglioma-Pheochromocytoma Syndromes; Hereditary paragangliomas and pheochromocytomas; Hereditary pheochromocytoma-paraganglioma. Identifiers: Orphanet 29072, MedGen C4274332, MONDO:0017366.

Allele frequency attached by ClinVar (database versions not stated): gnomAD exomes 0.00001; TOPMed 0.00001; gnomAD 0.00002.
gnomAD v4.1: 19 of 1,613,806 alleles (0.0012%); highest among the groups gnomAD compares: East Asian, 0.0022%; no homozygotes.

Submissions (6):

Labcorp Genetics (formerly Invitae), Labcorp
Classification: Uncertain significance for Pheochromocytoma/paraganglioma syndrome 5; Mitochondrial complex II deficiency, nuclear type 1. Last evaluated: 2025-10-27. Review status: criteria provided, single submitter. Criteria: Invitae Variant Classification Sherloc (09022015). Collection method: clinical testing. Allele origin: germline.
Comment: This sequence change replaces leucine, which is neutral and non-polar, with proline, which is neutral and non-polar, at codon 576 of the SDHA protein (p.Leu576Pro). This variant is present in population databases (no rsID available, gnomAD 0.01%). This variant has not been reported in the literature in individuals affected with SDHA-related conditions. ClinVar contains an entry for this variant (Variation ID: 577878). Invitae Evidence Modeling of protein sequence and biophysical properties (such as structural, functional, and spatial information, amino acid conservation, physicochemical variation, residue mobility, and thermodynamic stability) has been performed for this missense variant. However, the output from this modeling did not meet the statistical confidence thresholds required to predict the impact of this variant on SDHA protein function. In summary, the available evidence is currently insufficient to determine the role of this variant in disease. Therefore, it has been classified as a Variant of Uncertain Significance.

Ambry Genetics
Classification: Uncertain significance for Hereditary cancer-predisposing syndrome. Last evaluated: 2025-09-01. Review status: criteria provided, single submitter. Criteria: Ambry Variant Classification Scheme 2023. Collection method: clinical testing. Allele origin: germline.
Comment: The p.L576P variant (also known as c.1727T>C), located in coding exon 13 of the SDHA gene, results from a T to C substitution at nucleotide position 1727. The leucine at codon 576 is replaced by proline, an amino acid with similar properties. This amino acid position is not well conserved in available vertebrate species. In addition, this alteration is predicted to be deleterious by in silico analysis. Since supporting evidence is limited at this time, the clinical significance of this alteration remains unclear.

Quest Diagnostics Nichols Institute San Juan Capistrano
Classification: Uncertain significance. Last evaluated: 2023-12-15. Review status: criteria provided, single submitter. Criteria: Quest Diagnostics criteria. Collection method: clinical testing. Allele origin: unknown.
Comment: The SDHA c.1727T>C (p.Leu576Pro) variant has not been reported in individuals with SDHA-related conditions in the published literature. The frequency of this variant in the general population, 0.000064 (2/31386 chromosomes (Genome Aggregation Database)), is uninformative in the assessment of its pathogenicity. Analysis of this variant using bioinformatics tools for the prediction of the effect of amino acid changes on protein structure and function yielded predictions that this variant is damaging. Based on the available information, we are unable to determine the clinical significance of this variant.

Illumina Laboratory Services, Illumina
Classification: Uncertain significance for Mitochondrial complex II deficiency, nuclear type 1. Last evaluated: 2017-04-27. Review status: criteria provided, single submitter. Criteria: ICSL Variant Classification Criteria 13 December 2019. Collection method: clinical testing. Allele origin: germline.

Illumina Laboratory Services, Illumina
Classification: Uncertain significance for Leigh syndrome. Last evaluated: 2017-04-27. Review status: criteria provided, single submitter. Criteria: ICSL Variant Classification Criteria 13 December 2019. Collection method: clinical testing. Allele origin: germline.

Illumina Laboratory Services, Illumina
Classification: Uncertain significance for Hereditary Paraganglioma-Pheochromocytoma Syndromes. Last evaluated: 2017-04-27. Review status: criteria provided, single submitter. Criteria: ICSL Variant Classification Criteria 13 December 2019. Collection method: clinical testing. Allele origin: germline.